The following is an entry in ClinVar:

NM_000350.3(ABCA4):c.6127C>A (p.Pro2043Thr)

Gene: ABCA4 (ATP binding cassette subfamily A member 4; minus strand). Cytogenetic location: 1p22.1.
Variant type: single nucleotide variant.
Coding change: c.6127C>A on transcript NM_000350.3 (MANE Select); coding-DNA position 6127, C replaced by A.
Protein change: p.Pro2043Thr; replaces proline 2043 with threonine.
Molecular consequence: missense variant.
Genome position (GRCh38, 1-based): chr1:94,005,461, G>T on the plus strand (C>A on the coding strand, the complement: ABCA4 is on the minus strand). VCF-style: chr1-94005461-G-T. GRCh37 (hg19) VCF-style: chr1-94471017-G-T.
Other names: c.5905C>A, p.Pro1969Thr (NM_001425324.1); short protein forms P2043T, P1969T.
Identifiers: ClinVar variation 859790 (VCV000859790.10), dbSNP rs763230559, ClinGen allele CA957024.

ClinVar aggregate classification (germline): Uncertain significance (1 of 4 stars; one submission).

Allele frequency attached by ClinVar (database versions not stated): ExAC 0.00002.
gnomAD v4.1: 1 of 1,614,128 alleles (0.000062%); highest among the groups gnomAD compares: South Asian, 0.0011%; no homozygotes.

Submission:

Labcorp Genetics (formerly Invitae), Labcorp
Classification: Uncertain significance. Last evaluated: 2021-01-12. Review status: criteria provided, single submitter. Criteria: Invitae Variant Classification Sherloc (09022015). Collection method: clinical testing. Allele origin: germline.
Comment: This sequence change replaces proline with threonine at codon 2043 of the ABCA4 protein (p.Pro2043Thr). The proline residue is highly conserved and there is a small physicochemical difference between proline and threonine. This variant is present in population databases (rs763230559, ExAC 0.01%). This variant has not been reported in the literature in individuals with ABCA4-related conditions. Algorithms developed to predict the effect of missense changes on protein structure and function (SIFT, PolyPhen-2, Align-GVGD) all suggest that this variant is likely to be disruptive, but these predictions have not been confirmed by published functional studies and their clinical significance is uncertain. In summary, the available evidence is currently insufficient to determine the role of this variant in disease. Therefore, it has been classified as a Variant of Uncertain Significance.